The following is an entry in ClinVar:

ClinVar aggregate classification (germline): Conflicting classifications of pathogenicity. Review status: criteria provided, conflicting classifications (1 of 4 stars). 5 submissions from 4 submitters: Pathogenic (1); Likely pathogenic (2); Uncertain significance (2). Last evaluated 2025-09-10.

Conditions:
Arterial calcification, generalized, of infancy, 1 (GACI1). Also called: Idiopathic Infantile Arterial Calcification. Identifiers: Orphanet 51608, MedGen C4551985, MONDO:0008817, OMIM 208000.
Dystonia 28, childhood-onset (DYT28). Also called: KMT2B-Related Dystonia (DYT-KMT2B). Identifiers: Orphanet 589618, MedGen C4310633, MONDO:0015004, OMIM 617284.

Allele frequency attached by ClinVar (database versions not stated): gnomAD 0.00001; gnomAD exomes 0.00001 and 0.00002; ExAC 0.00002; TOPMed 0.00002.
gnomAD v4.1: 10 of 1,613,856 alleles (0.00062%); highest among the groups gnomAD compares: African/African-American, 0.0053%; no homozygotes.

Submissions (5):

Genomic Medicine Center of Excellence, King Faisal Specialist Hospital and Research Centre
Classification: Likely pathogenic for Arterial calcification, generalized, of infancy, 1. Last evaluated: 2025-09-10. Review status: criteria provided, single submitter. Criteria: ACMG Guidelines, 2015. Collection method: clinical testing. Allele origin: germline.

Genomic Medicine Center of Excellence, King Faisal Specialist Hospital and Research Centre
Classification: Likely pathogenic for Dystonia 28, childhood-onset. Last evaluated: 2024-12-17. Review status: criteria provided, single submitter. Criteria: ACMG Guidelines, 2015. Collection method: clinical testing. Allele origin: germline.

Labcorp Genetics (formerly Invitae), Labcorp
Classification: Pathogenic. Last evaluated: 2024-06-17. Review status: criteria provided, single submitter. Criteria: Invitae Variant Classification Sherloc (09022015). Collection method: clinical testing. Allele origin: germline.
Comment: This sequence change replaces tyrosine, which is neutral and polar, with cysteine, which is neutral and slightly polar, at codon 551 of the ENPP1 protein (p.Tyr551Cys). This variant is present in population databases (rs753071702, gnomAD 0.006%). This missense change has been observed in individuals with autosomal recessive ENPP1-related conditions (PMID: 25326635, 33005041, 33465815; Invitae). ClinVar contains an entry for this variant (Variation ID: 561004). Advanced modeling of protein sequence and biophysical properties (such as structural, functional, and spatial information, amino acid conservation, physicochemical variation, residue mobility, and thermodynamic stability) performed at Invitae indicates that this missense variant is expected to disrupt ENPP1 protein function with a positive predictive value of 80%. For these reasons, this variant has been classified as Pathogenic.

Revvity Omics, Revvity
Classification: Uncertain significance. Last evaluated: 2023-11-22. Review status: criteria provided, single submitter. Criteria: ACMG Guidelines, 2015. Collection method: clinical testing. Allele origin: germline.

Baylor Genetics
Classification: Uncertain significance for Arterial calcification, generalized, of infancy, 1. Last evaluated: 2017-09-01. Review status: criteria provided, single submitter. Criteria: ACMG Guidelines, 2015. Collection method: clinical testing. Allele origin: paternal. Inheritance: Autosomal recessive inheritance. Affected: yes.

Literature cited by the submitters: PubMed 25326635 (cited by Labcorp Genetics (formerly Invitae), Labcorp and Baylor Genetics); PubMed 33005041 (cited by Labcorp Genetics (formerly Invitae), Labcorp); PubMed 33465815 (cited by Labcorp Genetics (formerly Invitae), Labcorp).

NM_006208.3(ENPP1):c.1652A>G (p.Tyr551Cys)

Gene: ENPP1 (ectonucleotide pyrophosphatase/phosphodiesterase 1; plus strand). Cytogenetic location: 6q23.2.
Variant type: single nucleotide variant.
Coding change: c.1652A>G on transcript NM_006208.3 (MANE Select); coding-DNA position 1652, A replaced by G.
Protein change: p.Tyr551Cys; replaces tyrosine 551 with cysteine.
Molecular consequence: missense variant.
Genome position (GRCh38, 1-based): chr6:131,875,792, A>G. VCF-style: chr6-131875792-A-G. GRCh37 (hg19) VCF-style: chr6-132196932-A-G.
Other names: short protein forms Y551C.
Identifiers: ClinVar variation 561004 (VCV000561004.15), dbSNP rs753071702, ClinGen allele CA4002290.